The following is an entry in ClinVar:

ClinVar aggregate classification (germline): Pathogenic (1 of 4 stars; one submission).

Conditions:
Alstrom syndrome (ALMS). Identifiers: Orphanet 64, MedGen C0268425, MONDO:0008763, OMIM 203800.

Submission:

Labcorp Genetics (formerly Invitae), Labcorp
Classification: Pathogenic for Alstrom syndrome. Last evaluated: 2023-09-26. Review status: criteria provided, single submitter. Criteria: Invitae Variant Classification Sherloc (09022015). Collection method: clinical testing. Allele origin: germline.
Comment: This sequence change creates a premature translational stop signal (p.Ser2719*) in the ALMS1 gene. It is expected to result in an absent or disrupted protein product. Loss-of-function variants in ALMS1 are known to be pathogenic (PMID: 17594715). This variant is not present in population databases (gnomAD no frequency). For these reasons, this variant has been classified as Pathogenic. This variant has not been reported in the literature in individuals affected with ALMS1-related conditions.

Literature cited by the submitters: PubMed 17594715.

NM_001378454.1(ALMS1):c.8153C>A (p.Ser2718Ter)

Gene: ALMS1 (ALMS1 centrosome and basal body associated protein; plus strand). Cytogenetic location: 2p13.1.
Variant type: single nucleotide variant.
Coding change: c.8153C>A on transcript NM_001378454.1 (MANE Select); coding-DNA position 8153, C replaced by A.
Protein change: p.Ser2718Ter; replaces serine 2718 with a stop codon.
Molecular consequence: nonsense.
Genome position (GRCh38, 1-based): chr2:73,490,112, C>A. VCF-style: chr2-73490112-C-A. GRCh37 (hg19) VCF-style: chr2-73717239-C-A.
Other names: c.8156C>A, p.Ser2719Ter (NM_015120.4); short protein forms S2719*, S2718*.
Identifiers: ClinVar variation 2763507 (VCV002763507.3), dbSNP rs2466214414, ClinGen allele CA347267686.